The following is an entry in ClinVar:

ClinVar aggregate classification (germline): Likely benign (1 of 4 stars; one submission).

Conditions:
MHC class II deficiency. Also called: Bare lymphocyte syndrome 2; BLS, TYPE II. Identifiers: Orphanet 572, MedGen C5447452, MONDO:0008855.

Allele frequency attached by ClinVar (database versions not stated): 1000 Genomes Project 30x 0.00468; gnomAD 0.00541 and 0.00585; gnomAD exomes 0.00072; 1000 Genomes Project 0.00399; TOPMed 0.00632.
gnomAD v4.1: 1,121 of 540,520 alleles (0.21%); highest among the groups gnomAD compares: African/African-American, 1.9%; 10 homozygotes.

Submission:

Illumina Laboratory Services, Illumina
Classification: Likely benign for MHC class II deficiency 1. Last evaluated: 2018-01-13. Review status: criteria provided, single submitter. Criteria: ICSL Variant Classification Criteria 13 December 2019. Collection method: clinical testing. Allele origin: germline.
Comment: This variant was observed in the ICSL laboratory as part of a predisposition screen in an ostensibly healthy population. It had not been previously curated by ICSL or reported in the Human Gene Mutation Database (HGMD: prior to June 1st, 2018), and was therefore a candidate for classification through an automated scoring system. Utilizing variant allele frequency, disease prevalence and penetrance estimates, and inheritance mode, an automated score was calculated to assess if this variant is too frequent to cause the disease. Based on the score and internal cut-off values, a variant classified as likely benign is not then subjected to further curation. The score for this variant resulted in a classification of likely benign for this disease.

NM_001025603.2(RFX5):c.-67T>G

Genes: RFX5 (regulatory factor X5; minus strand), LOC126805858 (MED14-independent group 3 enhancer GRCh37_chr1:151318990-151320189; plus strand). Cytogenetic location: 1q21.3.
Variant type: single nucleotide variant.
Coding change: c.-67T>G on transcript NM_001025603.2 (MANE Select); 67 bases upstream of the start codon, T replaced by G.
Molecular consequence: 5 prime UTR variant.
Genome position (GRCh38, 1-based): chr1:151,346,542, A>C on the plus strand (T>G on the coding strand, the complement: RFX5 is on the minus strand). VCF-style: chr1-151346542-A-C. GRCh37 (hg19) VCF-style: chr1-151319018-A-C.
Other names: c.-74T>G (NM_000449.4, NM_001379414.1, NM_001379415.1); c.-67T>G (NM_001379412.1, NM_001379417.1, NM_001379418.1 and 2 more transcripts); c.-134T>G (NM_001379413.1, NM_001379416.1).
Identifiers: ClinVar variation 292621 (VCV000292621.5), dbSNP rs138110902, ClinGen allele CA10607691.